The following is an entry in ClinVar:

NM_000204.5(CFI):c.316T>C (p.Cys106Arg)

Gene: CFI (complement factor I; minus strand). Cytogenetic location: 4q25.
Variant type: single nucleotide variant.
Coding change: c.316T>C on transcript NM_000204.5 (MANE Select); coding-DNA position 316, T replaced by C.
Protein change: p.Cys106Arg; replaces cysteine 106 with arginine.
Molecular consequence: missense variant. On other transcripts: non-coding transcript variant (3), intron variant (1).
Genome position (GRCh38, 1-based): chr4:109,766,566, A>G on the plus strand (T>C on the coding strand, the complement: CFI is on the minus strand). VCF-style: chr4-109766566-A-G. GRCh37 (hg19) VCF-style: chr4-110687722-A-G.
Other names: c.316T>C, p.Cys106Arg (NM_001375282.1, NM_001375283.1, NM_001440985.1 and 10 more transcripts); c.-127-4874T>C (NM_001375284.1); short protein forms C106R.
Identifiers: ClinVar variation 4280432 (VCV004280432.1).

ClinVar aggregate classification (germline): Likely pathogenic, low penetrance (1 of 4 stars; one submission).

Conditions:
CFI-related disorder. Also called: CFI-related condition; CFI-related disorders. Identifiers: MedGen CN239325.

gnomAD v4.1: 1 of 1,614,190 alleles (0.000062%); no homozygotes.

Submission:

Genomenon, Inc
Classification: Likely pathogenic, low penetrance for CFI-related disorder. Last evaluated: 2025-09-26. Review status: criteria provided, single submitter. Criteria: Genomenon Sequence Variant Interpretation Standards - Updated. Collection method: curation. Allele origin: germline. Affected: no.
Comment: CFI p.Cys106Arg (c.316T>C) is a missense variant that changes the amino acid at residue 106 from Cysteine to Arginine. To our knowledge, this variant has not been reported in patients affected with CFI-related disorders in the published literature. At least one functional study has demonstrated a substantial alteration in protein function relative to the wild-type (PMID:32510551). It is absent or not present at a significant frequency in gnomAD. In silico models agree that this variant is possibly or probably damaging. In conclusion, we classify CFI p.Cys106Arg (c.316T>C) as a likely pathogenic, low penetrance variant.

Literature cited by the submitters: PubMed 32510551.